The following is an entry in ClinVar:

ClinVar aggregate classification (germline): Conflicting classifications of pathogenicity. Review status: criteria provided, conflicting classifications (1 of 4 stars). 3 submissions from 3 submitters: Uncertain significance (1); Likely benign (2). Last evaluated 2026-06-22.

Conditions:
PRPF6-related disorder. Also called: PRPF6-related condition.
Retinitis pigmentosa (RP). Identifiers: Orphanet 791, MedGen C0035334, MeSH D012174, MONDO:0019200, OMIM 268000. Inheritance: Autosomal dominant, autosomal recessive and X linked inheritance.

Allele frequency attached by ClinVar (database versions not stated): TOPMed 0.00001.

Submissions (3):

PreventionGenetics, part of Exact Sciences
Classification: Likely benign for PRPF6-related condition. Last evaluated: 2026-06-22. Review status: criteria provided, single submitter. Criteria: ACMG Guidelines, 2015. Collection method: clinical testing. Allele origin: germline.
Comment: This variant is classified as likely benign based on ACMG/AMP sequence variant interpretation guidelines (Richards et al. 2015 PMID: 25741868, with internal and published modifications).

CeGaT Center for Human Genetics Tuebingen
Classification: Likely benign. Last evaluated: 2024-07-01. Review status: criteria provided, single submitter. Criteria: CeGaT Center For Human Genetics Tuebingen Variant Classification Criteria Version 2. Collection method: clinical testing. Allele origin: germline. Affected: yes. Observed: 1 variant allele.
Comment: PRPF6: BP4, BP7

Illumina Laboratory Services, Illumina
Classification: Uncertain significance for Retinitis pigmentosa. Last evaluated: 2018-01-13. Review status: criteria provided, single submitter. Criteria: ICSL Variant Classification Criteria 13 December 2019. Collection method: clinical testing. Allele origin: germline.

NM_012469.4(PRPF6):c.57G>A (p.Pro19=)

Gene: PRPF6 (pre-mRNA processing factor 6; plus strand). Cytogenetic location: 20q13.33.
Variant type: single nucleotide variant.
Coding change: c.57G>A on transcript NM_012469.4 (MANE Select); coding-DNA position 57, G replaced by A.
Protein change: p.Pro19=; no amino-acid change (proline 19 retained).
Molecular consequence: synonymous variant.
Genome position (GRCh38, 1-based): chr20:63,981,302, G>A. VCF-style: chr20-63981302-G-A. GRCh37 (hg19) VCF-style: chr20-62612655-G-A.
Identifiers: ClinVar variation 339462 (VCV000339462.23), dbSNP rs779283679, ClinGen allele CA9971774.